The following is an entry in ClinVar:

NM_001080978.4(LILRB2):c.1405G>A (p.Val469Ile)

Gene: LILRB2 (leukocyte immunoglobulin like receptor B2; minus strand). Cytogenetic location: 19q13.42.
Variant type: single nucleotide variant.
Coding change: c.1405G>A on transcript NM_001080978.4 (MANE Select); coding-DNA position 1405, G replaced by A.
Protein change: p.Val469Ile; replaces valine 469 with isoleucine.
Molecular consequence: missense variant. On other transcripts: non-coding transcript variant (1).
Genome position (GRCh38, 1-based): chr19:54,276,882, C>T on the plus strand (G>A on the coding strand, the complement: LILRB2 is on the minus strand). VCF-style: chr19-54276882-C-T. GRCh37 (hg19) VCF-style: chr19-54780736-C-T.
Other names: c.1405G>A, p.Val469Ile (NM_001278403.3); c.1060G>A, p.Val354Ile (NM_001278404.3); c.1408G>A, p.Val470Ile (NM_001278405.2, NM_005874.5); short protein forms V354I, V469I, V470I.
Identifiers: ClinVar variation 2650439 (VCV002650439.24), dbSNP rs201896387, ClinGen allele CA309446650.
Genomic context (GRCh38, chr19:54,276,882, plus strand): 5'-TGCCCTGACGTCGATGTCGGAGGATGAGGAAGAGGAGGAGGAGGAGGAGGAGCAGTAGGA[C>T]GACGGCCACCAAGATGCCGATCACAACCCCCAGGTGCCTTCCCAGACCTTGAGCACGATG-3'
Protein context (NP_001074447.2, residues 459-479): GVVIGILVAV[Val469Ile]LLLLLLLLLF

ClinVar aggregate classification (germline): Likely benign (1 of 4 stars; one submission).

Allele frequency attached by ClinVar (database versions not stated): gnomAD exomes 0.00213; 1000 Genomes Project 30x 0.00344; gnomAD 0.00378; ExAC 0.00432.
gnomAD v4.1: 3,707 of 1,609,522 alleles (0.23%); highest among the groups gnomAD compares: South Asian, 0.92%; 22 homozygotes.

Submission:

CeGaT Center for Human Genetics Tuebingen
Classification: Likely benign. Last evaluated: 2022-11-01. Review status: criteria provided, single submitter. Criteria: CeGaT Center For Human Genetics Tuebingen Variant Classification Criteria Version 2. Collection method: clinical testing. Allele origin: germline. Affected: yes. Observed: 1 variant allele.
Comment: LILRB2: BP4, BS2